The following is an entry in ClinVar:

ClinVar aggregate classification (germline): Uncertain significance. Review status: criteria provided, multiple submitters, no conflicts (2 of 4 stars). 2 submissions from 2 submitters: Uncertain significance (2). Last evaluated 2025-10-27.

Conditions:
Retinitis pigmentosa (RP). Identifiers: Orphanet 791, MedGen C0035334, MeSH D012174, MONDO:0019200, OMIM 268000. Inheritance: Autosomal dominant, autosomal recessive and X linked inheritance.

Allele frequency attached by ClinVar (database versions not stated): TOPMed below 0.00001; gnomAD 0.00001; gnomAD exomes 0.00002.
gnomAD v4.1: 33 of 1,614,040 alleles (0.002%); highest among the groups gnomAD compares: Non-Finnish European, 0.0028%; no homozygotes.

Submissions (2):

Labcorp Genetics (formerly Invitae), Labcorp
Classification: Uncertain significance. Last evaluated: 2025-10-27. Review status: criteria provided, single submitter. Criteria: Invitae Variant Classification Sherloc (09022015). Collection method: clinical testing. Allele origin: germline.
Comment: This sequence change replaces aspartic acid, which is acidic and polar, with histidine, which is basic and polar, at codon 476 of the TOPORS protein (p.Asp476His). This variant is present in population databases (no rsID available, gnomAD 0.004%). This variant has not been reported in the literature in individuals affected with TOPORS-related conditions. ClinVar contains an entry for this variant (Variation ID: 366570). An algorithm developed to predict the effect of missense changes on protein structure and function (PolyPhen-2) suggests that this variant is likely to be disruptive. In summary, the available evidence is currently insufficient to determine the role of this variant in disease. Therefore, it has been classified as a Variant of Uncertain Significance.

Illumina Laboratory Services, Illumina
Classification: Uncertain significance for Retinitis pigmentosa. Last evaluated: 2018-01-13. Review status: criteria provided, single submitter. Criteria: ICSL Variant Classification Criteria 13 December 2019. Collection method: clinical testing. Allele origin: germline.

NM_005802.5(TOPORS):c.1426G>C (p.Asp476His)

Gene: TOPORS (TOP1 binding arginine/serine rich protein, E3 ubiquitin ligase; minus strand). Cytogenetic location: 9p21.1.
Variant type: single nucleotide variant.
Coding change: c.1426G>C on transcript NM_005802.5 (MANE Select); coding-DNA position 1426, G replaced by C.
Protein change: p.Asp476His; replaces aspartic acid 476 with histidine.
Molecular consequence: missense variant.
Genome position (GRCh38, 1-based): chr9:32,543,099, C>G on the plus strand (G>C on the coding strand, the complement: TOPORS is on the minus strand). VCF-style: chr9-32543099-C-G. GRCh37 (hg19) VCF-style: chr9-32543097-C-G.
Other names: c.1231G>C, p.Asp411His (NM_001195622.2); short protein forms D476H, D411H.
Identifiers: ClinVar variation 366570 (VCV000366570.15), dbSNP rs886063854, ClinGen allele CA10629899.